The following is an entry in ClinVar:

NM_001098484.3(SLC4A4):c.1988C>T (p.Thr663Ile)

Gene: SLC4A4 (solute carrier family 4 member 4; plus strand). Cytogenetic location: 4q13.3.
Variant type: single nucleotide variant.
Coding change: c.1988C>T on transcript NM_001098484.3 (MANE Select); coding-DNA position 1988, C replaced by T.
Protein change: p.Thr663Ile; replaces threonine 663 with isoleucine.
Molecular consequence: missense variant.
Genome position (GRCh38, 1-based): chr4:71,497,514, C>T. VCF-style: chr4-71497514-C-T. GRCh37 (hg19) VCF-style: chr4-72363231-C-T.
Other names: c.1856C>T, p.Thr619Ile (NM_003759.4); c.1988C>T, p.Thr663Ile (NM_001134742.2); short protein forms T619I, T663I.
Identifiers: ClinVar variation 3628385 (VCV003628385.2).
Genomic context (GRCh38, chr4:71,497,514, plus strand): 5'-TATATGTCAATGTTCTCTAGAAAAATTTTAATGTTTTTCTTCTTCAGTACCATAATACTA[C>T]CTTTGACTGGGCATTTTTGTCGAAGAAGGAGTGTTCAAAATACGGAGGAAACCTCGTCGG-3'
Protein context (NP_001091954.1, residues 653-673): MSSTDMYHNT[Thr663Ile]FDWAFLSKKE

ClinVar aggregate classification (germline): Uncertain significance (1 of 4 stars; one submission).

gnomAD v4.1: 1 of 1,613,110 alleles (0.000062%); highest among the groups gnomAD compares: Non-Finnish European, 0.000085%; no homozygotes.

Submission:

Labcorp Genetics (formerly Invitae), Labcorp
Classification: Uncertain significance. Last evaluated: 2025-10-02. Review status: criteria provided, single submitter. Criteria: Invitae Variant Classification Sherloc (09022015). Collection method: clinical testing. Allele origin: germline.
Comment: This sequence change replaces threonine, which is neutral and polar, with isoleucine, which is neutral and non-polar, at codon 619 of the SLC4A4 protein (p.Thr619Ile). This variant is not present in population databases (gnomAD no frequency). This variant has not been reported in the literature in individuals affected with SLC4A4-related conditions. ClinVar contains an entry for this variant (Variation ID: 3628385). An algorithm developed to predict the effect of missense changes on protein structure and function (PolyPhen-2) suggests that this variant is likely to be tolerated. In summary, the available evidence is currently insufficient to determine the role of this variant in disease. Therefore, it has been classified as a Variant of Uncertain Significance.